The following is an entry in ClinVar:

ClinVar aggregate classification (germline): Benign/Likely benign. Review status: criteria provided, multiple submitters, no conflicts (2 of 4 stars). 10 submissions from 9 submitters: Benign (5); Likely benign (4). 1 of the submissions does not count toward it. Last evaluated 2026-09-01.

Conditions:
Torsion dystonia 4. Also called: DYT-TUBB4A (Autosomal Dominant Torsion Dystonia); DYSTONIA MUSCULORUM DEFORMANS 4. Identifiers: Orphanet 98805, MedGen C1851943, MONDO:0007493, OMIM 128101.
TUBB4A-related disorder. Also called: TUBB4A-related condition.
Leukodystrophy, hypomyelinating, 6. Also called: TUBB4A-Associated Leukodystrophy; Hypomyelination with Atrophy of Basal Ganglia and Cerebellum (H-ABC); LEUKODYSTROPHY, HYPOMYELINATING, WITH ATROPHY OF THE BASAL GANGLIA AND CEREBELLUM. Identifiers: Orphanet 139441, MedGen C2676244, MONDO:0012905, OMIM 612438.

Allele frequency attached by ClinVar (database versions not stated): 1000 Genomes Project 30x 0.00047; 1000 Genomes Project 0.00060; TOPMed 0.00228; ESP Exome Variant Server 0.00285; gnomAD 0.00323 and 0.00326; gnomAD exomes 0.00378; ExAC 0.00388.

Submissions (10):

CeGaT Center for Human Genetics Tuebingen
Classification: Likely benign. Last evaluated: 2026-09-01. Review status: criteria provided, single submitter. Criteria: CeGaT Center For Human Genetics Tuebingen Variant Classification Criteria Version 2. Collection method: clinical testing. Allele origin: germline. Affected: yes. Observed: 32 variant alleles.
Comment: TUBB4A: BP4, BP7, BS1

Labcorp Genetics (formerly Invitae), Labcorp
Classification: Benign for Leukodystrophy, hypomyelinating, 6. Last evaluated: 2026-02-01. Review status: criteria provided, single submitter. Criteria: Invitae Variant Classification Sherloc (09022015). Collection method: clinical testing. Allele origin: germline.

Blueprint Genetics
Classification: Likely benign. Last evaluated: 2024-11-27. Review status: criteria provided, single submitter. Criteria: ACMG Guidelines, 2015. Collection method: clinical testing. Allele origin: germline.

Fulgent Genetics
Classification: Likely benign for Torsion dystonia 4; Leukodystrophy, hypomyelinating, 6. Last evaluated: 2022-04-04. Review status: criteria provided, single submitter. Criteria: ACMG Guidelines, 2015. Collection method: clinical testing. Allele origin: unknown.

Genetic Services Laboratory, University of Chicago
Classification: Benign. Last evaluated: 2020-08-29. Review status: criteria provided, single submitter. Criteria: ACMG Guidelines, 2015. Collection method: clinical testing. Allele origin: germline. Affected: no.

Illumina Laboratory Services, Illumina
Classification: Benign for Leukodystrophy, hypomyelinating, 6. Last evaluated: 2018-01-13. Review status: criteria provided, single submitter. Criteria: ICSL Variant Classification Criteria 13 December 2019. Collection method: clinical testing. Allele origin: germline.
Comment: This variant was observed in the ICSL laboratory as part of a predisposition screen in an ostensibly healthy population. It had not been previously curated by ICSL or reported in the Human Gene Mutation Database (HGMD: prior to June 1st, 2018), and was therefore a candidate for classification through an automated scoring system. Utilizing variant allele frequency, disease prevalence and penetrance estimates, and inheritance mode, an automated score was calculated to assess if this variant is too frequent to cause the disease. Based on the score and internal cut-off values, a variant classified as benign is not then subjected to further curation. The score for this variant resulted in a classification of benign for this disease.

Illumina Laboratory Services, Illumina
Classification: Benign for Torsion dystonia 4. Last evaluated: 2018-01-13. Review status: criteria provided, single submitter. Criteria: ICSL Variant Classification Criteria 13 December 2019. Collection method: clinical testing. Allele origin: germline.
Comment: the same text as in the submission from Illumina Laboratory Services, Illumina above.

GeneDx
Classification: Benign. Last evaluated: 2017-01-09. Review status: criteria provided, single submitter. Criteria: GeneDx Variant Classification (06012015). Collection method: clinical testing. Allele origin: germline. Affected: yes.
Comment: This variant is considered likely benign or benign based on one or more of the following criteria: it is a conservative change, it occurs at a poorly conserved position in the protein, it is predicted to be benign by multiple in silico algorithms, and/or has population frequency not consistent with disease.

Breakthrough Genomics
Classification: Likely benign. Review status: criteria provided, single submitter. Criteria: ACMG Guidelines, 2015. Collection method: not provided. Allele origin: germline. Inheritance: Autosomal dominant inheritance. Affected: yes.

PreventionGenetics, part of Exact Sciences
Classification: Benign for TUBB4A-related condition. Last evaluated: 2019-05-09. Review status: no assertion criteria provided. Collection method: clinical testing. Allele origin: germline. Not counted in ClinVar's aggregate classification.
Comment: This variant is classified as benign based on ACMG/AMP sequence variant interpretation guidelines (Richards et al. 2015 PMID: 25741868, with internal and published modifications).

NM_006087.4(TUBB4A):c.906G>A (p.Ala302=)

Gene: TUBB4A (tubulin beta 4A class IVa; minus strand). Cytogenetic location: 19p13.3.
Variant type: single nucleotide variant.
Coding change: c.906G>A on transcript NM_006087.4 (MANE Select); coding-DNA position 906, G replaced by A.
Protein change: p.Ala302=; no amino-acid change (alanine 302 retained).
Molecular consequence: synonymous variant.
Genome position (GRCh38, 1-based): chr19:6,495,593, C>T on the plus strand (G>A on the coding strand, the complement: TUBB4A is on the minus strand). VCF-style: chr19-6495593-C-T. GRCh37 (hg19) VCF-style: chr19-6495604-C-T.
Other names: c.1059G>A, p.Ala353= (NM_001289123.2); c.1041G>A, p.Ala347= (NM_001289127.2); c.906G>A, p.Ala302= (NM_001289129.2); c.690G>A, p.Ala230= (NM_001289130.2, NM_001289131.2).
Identifiers: ClinVar variation 330262 (VCV000330262.56), dbSNP rs144969662, ClinGen allele CA9127310.